The following is an entry in ClinVar:

ClinVar aggregate classification (germline): Pathogenic (1 of 4 stars; one submission).

Conditions:
Hereditary breast ovarian cancer syndrome. Also called: BRCA1- and BRCA2-Associated Hereditary Breast and Ovarian Cancer; Hereditary breast and/or ovarian cancer syndrome; Hereditary breast and ovarian cancer syndrome; Hereditary breast and ovarian cancer syndrome (HBOC); Breast and ovarian cancer; Hereditary breast and ovarian cancer. Identifiers: Orphanet 145, MedGen C0677776, MeSH D061325, MONDO:0003582. Disease mechanism: loss of function.

Submission:

Labcorp Genetics (formerly Invitae), Labcorp
Classification: Pathogenic for Hereditary breast ovarian cancer syndrome. Last evaluated: 2024-02-23. Review status: criteria provided, single submitter. Criteria: Invitae Variant Classification Sherloc (09022015). Collection method: clinical testing. Allele origin: germline.
Comment: This sequence change creates a premature translational stop signal (p.His3185Glnfs*4) in the BRCA2 gene. It is expected to result in an absent or disrupted protein product. Loss-of-function variants in BRCA2 are known to be pathogenic (PMID: 20104584). This variant is not present in population databases (gnomAD no frequency). This variant has not been reported in the literature in individuals affected with BRCA2-related conditions. For these reasons, this variant has been classified as Pathogenic.

Literature cited by the submitters: PubMed 20104584.

NM_000059.4(BRCA2):c.9554dup (p.His3185fs)

Gene: BRCA2 (BRCA2 DNA repair associated; plus strand). Cytogenetic location: 13q13.1.
Variant type: Duplication.
Coding change: c.9554dup on transcript NM_000059.4 (MANE Select); coding-DNA position 9554, one base duplicated (A; older notation c.9554dupA).
Protein change: p.His3185fs; shifts the reading frame from histidine 3185.
Molecular consequence: frameshift variant. On other transcripts: non-coding transcript variant (1).
Genome position (GRCh38, 1-based): chr13:32,396,950, A duplicated. VCF-style (leftmost placement, unchanged base first): chr13-32396949-C-CA. GRCh37 (hg19) VCF-style: chr13-32971086-C-CA.
Other names: c.9458dup, p.His3153fs (NM_001406719.1); c.9503dup, p.His3168fs (NM_001406720.1); c.4622dup, p.His1541fs (NM_001406721.1); c.3137dup, p.His1046fs (NM_001406722.1); c.9554dup, p.His3185fs (NM_001432077.1); short protein forms H1046fs, H1541fs, H3153fs, H3168fs, H3185fs.
Identifiers: ClinVar variation 3642896 (VCV003642896.2).